The following is an entry in ClinVar:

NM_004006.3(DMD):c.2954del (p.Leu985fs)

Gene: DMD (dystrophin; minus strand). Cytogenetic location: Xp21.1.
Variant type: Deletion.
Coding change: c.2954del on transcript NM_004006.3 (MANE Select); coding-DNA position 2954, one base deleted (T; older notation c.2954delT).
Protein change: p.Leu985fs; shifts the reading frame from leucine 985.
Molecular consequence: frameshift variant.
Genome position (GRCh38, 1-based): chrX:32,468,706, A deleted on the plus strand (T on the coding strand, the reverse complement: DMD is on the minus strand); the first of 3 consecutive A bases (chrX:32,468,706-32,468,708); deleting any one gives the same sequence. VCF-style (leftmost placement, unchanged base first): chrX-32468705-TA-T. GRCh37 (hg19) VCF-style: chrX-32486822-TA-T.
Other names: c.2930del, p.Leu977fs (NM_000109.4); c.2942del, p.Leu981fs (NM_004009.3); c.2585del, p.Leu862fs (NM_004010.3); short protein forms L862fs, L977fs, L981fs, L985fs.
Identifiers: ClinVar variation 3393043 (VCV003393043.2).

ClinVar aggregate classification (germline): Pathogenic (1 of 4 stars; one submission).

Conditions:
Duchenne muscular dystrophy (DMD). Also called: Duchenne Muscular Dystrophy (DMD); MUSCULAR DYSTROPHY, PSEUDOHYPERTROPHIC PROGRESSIVE, DUCHENNE TYPE. Identifiers: Orphanet 98896, MedGen C0013264, MONDO:0010679, OMIM 310200.

Submission:

Laboratorio de Biologia Molecular - Genetica, Hospital de Pediatria Garrahan
Classification: Pathogenic for Duchenne muscular dystrophy. Last evaluated: 2024-11-25. Review status: criteria provided, single submitter. Criteria: ACMG Guidelines, 2015. Collection method: clinical testing. Allele origin: germline. Inheritance: X-linked recessive inheritance. Affected: yes. Observed: 1 hemizygote.
Comment: This sequence change creates a premature translational stop signal (p.Leu985Tyrfs*19) in the DMD gene. It is expected to result in an absent or disrupted dystrophin protein. Loss-of-function variants in DMD are known to be pathogenic. This variant is not present in population databases (gnomAD, no frequency). According to ACMG criteria, this variant has been classified as pathogenic (PVS1, PM2, PP4).